The following is an entry in ClinVar:

ClinVar aggregate classification (germline): Benign. Review status: criteria provided, multiple submitters, no conflicts (2 of 4 stars). 2 submissions from 2 submitters: Benign (2). Last evaluated 2018-06-14.

Allele frequency attached by ClinVar (database versions not stated): TOPMed 0.22784; 1000 Genomes Project 30x 0.25094; 1000 Genomes Project 0.25699; gnomAD exomes 0.25924.
gnomAD v4.1: 73,885 of 304,462 alleles (24%); highest among the groups gnomAD compares: East Asian, 46%; 10,711 homozygotes.

Submissions (2):

GeneDx
Classification: Benign. Last evaluated: 2018-06-14. Review status: criteria provided, single submitter. Criteria: GeneDx Variant Classification (06012015). Collection method: clinical testing. Allele origin: germline. Affected: yes.
Comment: This variant is considered likely benign or benign based on one or more of the following criteria: it is a conservative change, it occurs at a poorly conserved position in the protein, it is predicted to be benign by multiple in silico algorithms, and/or has population frequency not consistent with disease.

Breakthrough Genomics
Classification: Benign. Review status: criteria provided, single submitter. Criteria: ACMG Guidelines, 2015. Collection method: not provided. Allele origin: germline. Inheritance: Autosomal dominant inheritance. Affected: yes.

NM_001613.4(ACTA2):c.258+270C>T

Gene: ACTA2 (actin alpha 2, smooth muscle; minus strand). Cytogenetic location: 10q23.31.
Variant type: single nucleotide variant.
Coding change: c.258+270C>T on transcript NM_001613.4 (MANE Select); 270 bases into the intron after coding-DNA position 258, C replaced by T.
Molecular consequence: intron variant.
Genome position (GRCh38, 1-based): chr10:88,946,988, G>A on the plus strand (C>T on the coding strand, the complement: ACTA2 is on the minus strand). VCF-style: chr10-88946988-G-A. GRCh37 (hg19) VCF-style: chr10-90706745-G-A.
Other names: c.129+1814C>T (NM_001406467.1, NM_001406468.1, NM_001406469.1); c.258+270C>T (NM_001320855.2, NM_001406462.1, NM_001406471.1 and 4 more transcripts).
Identifiers: ClinVar variation 680460 (VCV000680460.4), dbSNP rs12415470, ClinGen allele CA211326997.